The following is an entry in ClinVar:

ClinVar aggregate classification (germline): Uncertain significance. Review status: criteria provided, multiple submitters, no conflicts (2 of 4 stars). 2 submissions from 2 submitters: Uncertain significance (2). Last evaluated 2023-12-05.

Conditions:
Hereditary cancer-predisposing syndrome. Also called: Tumor predisposition; Neoplastic Syndromes, Hereditary; Hereditary neoplastic syndrome; Hereditary Cancer Syndrome. Identifiers: Orphanet 140162, MedGen C0027672, MeSH D009386, MONDO:0015356.
Familial adenomatous polyposis 1 (FAP1). Also called: POLYPOSIS, ADENOMATOUS INTESTINAL; FAMILIAL ADENOMATOUS POLYPOSIS 1, ATTENUATED. Identifiers: MedGen C2713442, MONDO:0021056, OMIM 175100. Disease mechanism: loss of function.

Allele frequency attached by ClinVar (database versions not stated): gnomAD 0.00001.
gnomAD v4.1: 1 of 1,614,004 alleles (0.000062%); highest among the groups gnomAD compares: Non-Finnish European, 0.000085%; no homozygotes.

Submissions (2):

Color Diagnostics, LLC DBA Color Health
Classification: Uncertain significance for Hereditary cancer-predisposing syndrome. Last evaluated: 2023-12-05. Review status: criteria provided, single submitter. Criteria: ACMG Guidelines, 2015. Collection method: clinical testing. Allele origin: germline.
Comment: This missense variant replaces lysine with glutamine at codon 2062 of the APC protein. Computational prediction suggests that this variant may not impact protein structure and function (internally defined REVEL score threshold <= 0.5, PMID: 27666373). To our knowledge, functional studies have not been reported for this variant. This variant has not been reported in individuals affected with APC-related disorders in the literature. This variant has not been identified in the general population by the Genome Aggregation Database (gnomAD). The available evidence is insufficient to determine the role of this variant in disease conclusively. Therefore, this variant is classified as a Variant of Uncertain Significance.

Labcorp Genetics (formerly Invitae), Labcorp
Classification: Uncertain significance for Familial adenomatous polyposis 1. Last evaluated: 2023-06-02. Review status: criteria provided, single submitter. Criteria: Invitae Variant Classification Sherloc (09022015). Collection method: clinical testing. Allele origin: germline.
Comment: Advanced modeling of protein sequence and biophysical properties (such as structural, functional, and spatial information, amino acid conservation, physicochemical variation, residue mobility, and thermodynamic stability) performed at Invitae indicates that this missense variant is not expected to disrupt APC protein function. ClinVar contains an entry for this variant (Variation ID: 631060). This variant has not been reported in the literature in individuals affected with APC-related conditions. This variant is not present in population databases (gnomAD no frequency). This sequence change replaces lysine, which is basic and polar, with glutamine, which is neutral and polar, at codon 2062 of the APC protein (p.Lys2062Gln). In summary, the available evidence is currently insufficient to determine the role of this variant in disease. Therefore, it has been classified as a Variant of Uncertain Significance.

NM_000038.6(APC):c.6184A>C (p.Lys2062Gln)

Gene: APC (APC regulator of Wnt signaling pathway; plus strand). Cytogenetic location: 5q22.2.
Variant type: single nucleotide variant.
Coding change: c.6184A>C on transcript NM_000038.6 (MANE Select); coding-DNA position 6184, A replaced by C.
Protein change: p.Lys2062Gln; replaces lysine 2062 with glutamine.
Molecular consequence: missense variant.
Genome position (GRCh38, 1-based): chr5:112,841,778, A>C. VCF-style: chr5-112841778-A-C. GRCh37 (hg19) VCF-style: chr5-112177475-A-C.
Other names: c.6184A>C, p.Lys2062Gln (NM_001127510.3, NM_001354895.2); c.6130A>C, p.Lys2044Gln (NM_001127511.3); c.6238A>C, p.Lys2080Gln (NM_001354896.2); c.6214A>C, p.Lys2072Gln (NM_001354897.2); c.6109A>C, p.Lys2037Gln (NM_001354898.2); c.6100A>C, p.Lys2034Gln (NM_001354899.2); c.6061A>C, p.Lys2021Gln (NM_001354900.2); c.6007A>C, p.Lys2003Gln (NM_001354901.2); and 5 more; short protein forms K2044Q, K2062Q, K1936Q, K1961Q, K1971Q, K2021Q, K2037Q, K1902Q.
Identifiers: ClinVar variation 631060 (VCV000631060.8), dbSNP rs1561605668, ClinGen allele CA16034874.